The following is an entry in ClinVar:

ClinVar aggregate classification (germline): Uncertain significance (1 of 4 stars; one submission).

gnomAD v4.1: 51 of 1,614,034 alleles (0.0032%); highest among the groups gnomAD compares: South Asian, 0.048%; no homozygotes.

Submission:

Mayo Clinic Laboratories, Mayo Clinic
Classification: Uncertain significance. Last evaluated: 2025-04-01. Review status: criteria provided, single submitter. Criteria: ACMG Guidelines, 2015. Collection method: clinical testing. Allele origin: germline. Observed: 1 variant allele.
Comment: BP4_moderate

NM_015378.4(VPS13D):c.8069G>A (p.Arg2690Gln)

Gene: VPS13D (vacuolar protein sorting 13 homolog D; plus strand). Cytogenetic location: 1p36.22.
Variant type: single nucleotide variant.
Coding change: c.8069G>A on transcript NM_015378.4 (MANE Select); coding-DNA position 8069, G replaced by A.
Protein change: p.Arg2690Gln; replaces arginine 2690 with glutamine.
Molecular consequence: missense variant.
Genome position (GRCh38, 1-based): chr1:12,327,726, G>A. VCF-style: chr1-12327726-G-A. GRCh37 (hg19) VCF-style: chr1-12387783-G-A.
Other names: p.Arg2690Gln; c.8069G>A, p.Arg2690Gln (NM_018156.4); short protein forms R2690Q.
Identifiers: ClinVar variation 4540715 (VCV004540715.1).